The following is an entry in ClinVar:

ClinVar aggregate classification (germline): Likely benign (1 of 4 stars; one submission).

Submission:

CeGaT Center for Human Genetics Tuebingen
Classification: Likely benign. Last evaluated: 2026-04-01. Review status: criteria provided, single submitter. Criteria: CeGaT Center For Human Genetics Tuebingen Variant Classification Criteria Version 2. Collection method: clinical testing. Allele origin: germline. Affected: yes. Observed: 4 variant alleles.
Comment: PLIN4: BP4, BP7

NM_001367868.2(PLIN4):c.984T>C (p.Thr328=)

Gene: PLIN4 (perilipin 4; minus strand). Cytogenetic location: 19p13.3.
Variant type: single nucleotide variant.
Coding change: c.984T>C on transcript NM_001367868.2 (MANE Select); coding-DNA position 984, T replaced by C.
Protein change: p.Thr328=; no amino-acid change (threonine 328 retained).
Molecular consequence: synonymous variant.
Genome position (GRCh38, 1-based): chr19:4,512,976, A>G on the plus strand (T>C on the coding strand, the complement: PLIN4 is on the minus strand). VCF-style: chr19-4512976-A-G. GRCh37 (hg19) VCF-style: chr19-4512988-A-G.
Other names: c.987T>C, p.Thr329= (NM_001393888.1, NM_001393889.1); c.984T>C, p.Thr328= (NM_001393890.1, NM_001393891.1).
Identifiers: ClinVar variation 3388733 (VCV003388733.14).